The following is an entry in ClinVar:

ClinVar aggregate classification (germline): Likely benign. Review status: criteria provided, multiple submitters, no conflicts (2 of 4 stars). 5 submissions from 5 submitters: Likely benign (3). 2 of the submissions do not count toward it. Last evaluated 2025-09-29.

Conditions:
Rubinstein-Taybi syndrome (RSTS). Identifiers: Orphanet 783, MedGen C0035934, MONDO:0019188.
Inborn genetic diseases. Identifiers: MedGen C0950123, MeSH D030342.
CREBBP-related disorder. Also called: CREBBP-related disorders; CREBBP-related condition.

Allele frequency attached by ClinVar (database versions not stated): gnomAD 0.00001; gnomAD exomes 0.00002; ExAC 0.00005.
gnomAD v4.1: 24 of 1,584,692 alleles (0.0015%); highest among the groups gnomAD compares: South Asian, 0.0056%; no homozygotes.

Submissions (5):

Labcorp Genetics (formerly Invitae), Labcorp
Classification: Likely benign for Rubinstein-Taybi syndrome. Last evaluated: 2025-09-29. Review status: criteria provided, single submitter. Criteria: Invitae Variant Classification Sherloc (09022015). Collection method: clinical testing. Allele origin: germline.

Women's Health and Genetics/Laboratory Corporation of America, LabCorp
Classification: Likely benign. Last evaluated: 2023-10-16. Review status: criteria provided, single submitter. Criteria: LabCorp Variant Classification Summary - May 2015. Collection method: clinical testing. Allele origin: germline.

Ambry Genetics
Classification: Likely benign for Inborn genetic diseases. Last evaluated: 2018-11-23. Review status: criteria provided, single submitter. Criteria: Ambry Variant Classification Scheme 2023. Collection method: clinical testing. Allele origin: germline.

Genetic Services Laboratory, University of Chicago
Classification: Likely benign. Last evaluated: 2022-08-06. Review status: no assertion criteria provided. Collection method: clinical testing. Allele origin: germline. Affected: no. Not counted in ClinVar's aggregate classification.

PreventionGenetics, part of Exact Sciences
Classification: Likely benign for CREBBP-related condition. Last evaluated: 2021-08-31. Review status: no assertion criteria provided. Collection method: clinical testing. Allele origin: germline. Not counted in ClinVar's aggregate classification.
Comment: This variant is classified as likely benign based on ACMG/AMP sequence variant interpretation guidelines (Richards et al. 2015 PMID: 25741868, with internal and published modifications).

NM_004380.3(CREBBP):c.5709G>A (p.Pro1903=)

Gene: CREBBP (CREB binding lysine acetyltransferase; minus strand). Cytogenetic location: 16p13.3.
Variant type: single nucleotide variant.
Coding change: c.5709G>A on transcript NM_004380.3 (MANE Select); coding-DNA position 5709, G replaced by A.
Protein change: p.Pro1903=; no amino-acid change (proline 1903 retained).
Molecular consequence: synonymous variant.
Genome position (GRCh38, 1-based): chr16:3,729,338, C>T on the plus strand (G>A on the coding strand, the complement: CREBBP is on the minus strand). VCF-style: chr16-3729338-C-T. GRCh37 (hg19) VCF-style: chr16-3779339-C-T.
Other names: c.5595G>A, p.Pro1865= (NM_001079846.1).
Identifiers: ClinVar variation 1148234 (VCV001148234.15), dbSNP rs773624477, ClinGen allele CA7869254.